The following is an entry in ClinVar:

NM_001303052.2(MYT1L):c.1619-1del

Gene: MYT1L (myelin transcription factor 1 like; minus strand). Cytogenetic location: 2p25.3.
Variant type: Deletion.
Coding change: c.1619-1del on transcript NM_001303052.2 (MANE Select); the canonical splice acceptor site of the intron before coding-DNA position 1619, one base deleted (G; older notation c.1619-1delG).
Molecular consequence: splice acceptor variant.
Genome position (GRCh38, 1-based): chr2:1,912,111, C deleted on the plus strand (G on the coding strand, the reverse complement: MYT1L is on the minus strand). VCF-style (leftmost placement, unchanged base first): chr2-1912110-AC-A. GRCh37 (hg19) VCF-style: chr2-1915882-AC-A.
Other names: c.1613-1del (NM_015025.4, NM_001329847.2, NM_001329848.1 and 3 more transcripts); c.1619-1del (NM_001329844.2, NM_001329845.1, NM_001329851.3).
Identifiers: ClinVar variation 4529927 (VCV004529927.1).

ClinVar aggregate classification (germline): Pathogenic (1 of 4 stars; one submission).

Submission:

GeneDx
Classification: Pathogenic. Last evaluated: 2025-05-13. Review status: criteria provided, single submitter. Criteria: GeneDx Variant Classification Process June 2021. Collection method: clinical testing. Allele origin: germline. Affected: yes.
Comment: Canonical splice site variant predicted to result in a null allele in a gene for which loss of function is a known mechanism of disease; Not observed at significant frequency in large population cohorts (gnomAD); Has not been previously published as pathogenic or benign to our knowledge